The following is an entry in ClinVar:

NM_002874.5(RAD23B):c.453G>A (p.Lys151=)

Gene: RAD23B (RAD23 homolog B, nucleotide excision repair protein; plus strand). Cytogenetic location: 9q31.2.
Variant type: single nucleotide variant.
Coding change: c.453G>A on transcript NM_002874.5 (MANE Select); coding-DNA position 453, G replaced by A.
Protein change: p.Lys151=; no amino-acid change (lysine 151 retained).
Molecular consequence: synonymous variant.
Genome position (GRCh38, 1-based): chr9:107,306,603, G>A. VCF-style: chr9-107306603-G-A. GRCh37 (hg19) VCF-style: chr9-110068884-G-A.
Other names: c.390G>A, p.Lys130= (NM_001244713.1); c.237G>A, p.Lys79= (NM_001244724.2).
Identifiers: ClinVar variation 3050247 (VCV003050247.2), dbSNP rs146029019, ClinGen allele CA5172673.

ClinVar aggregate classification (germline): Likely benign (0 of 4 stars; one submission).

Conditions:
RAD23B-related disorder. Also called: RAD23B-related condition.

Allele frequency attached by ClinVar (database versions not stated): 1000 Genomes Project 30x 0.00062; 1000 Genomes Project 0.00080; gnomAD 0.00269; TOPMed 0.00283; ExAC 0.00306; ESP Exome Variant Server 0.00315; gnomAD exomes 0.00382.
gnomAD v4.1: 5,992 of 1,614,170 alleles (0.37%); highest among the groups gnomAD compares: Non-Finnish European, 0.45%; 15 homozygotes.

Submission:

PreventionGenetics, part of Exact Sciences
Classification: Likely benign for RAD23B-related condition. Last evaluated: 2021-04-08. Review status: no assertion criteria provided. Collection method: clinical testing. Allele origin: germline.
Comment: This variant is classified as likely benign based on ACMG/AMP sequence variant interpretation guidelines (Richards et al. 2015 PMID: 25741868, with internal and published modifications).